The following is an entry in ClinVar:

ClinVar aggregate classification (germline): Pathogenic (1 of 4 stars; one submission).

Submission:

Labcorp Genetics (formerly Invitae), Labcorp
Classification: Pathogenic. Last evaluated: 2025-02-15. Review status: criteria provided, single submitter. Criteria: Invitae Variant Classification Sherloc (09022015). Collection method: clinical testing. Allele origin: germline.
Comment: This sequence change creates a premature translational stop signal (p.Tyr703*) in the PCNT gene. It is expected to result in an absent or disrupted protein product. Loss-of-function variants in PCNT are known to be pathogenic (PMID: 18174396, 22821869). This variant is not present in population databases (gnomAD no frequency). This variant has not been reported in the literature in individuals affected with PCNT-related conditions. For these reasons, this variant has been classified as Pathogenic.

Literature cited by the submitters: PubMed 18174396; PubMed 22821869.

NM_006031.6(PCNT):c.2109T>A (p.Tyr703Ter)

Gene: PCNT (pericentrin; plus strand). Cytogenetic location: 21q22.3.
Variant type: single nucleotide variant.
Coding change: c.2109T>A on transcript NM_006031.6 (MANE Select); coding-DNA position 2109, T replaced by A.
Protein change: p.Tyr703Ter; replaces tyrosine 703 with a stop codon.
Molecular consequence: nonsense.
Genome position (GRCh38, 1-based): chr21:46,357,146, T>A. VCF-style: chr21-46357146-T-A. GRCh37 (hg19) VCF-style: chr21-47777061-T-A.
Other names: c.1755T>A, p.Tyr585Ter (NM_001315529.2); short protein forms Y703*, Y585*.
Identifiers: ClinVar variation 3721928 (VCV003721928.2).